The following is an entry in ClinVar:

NM_014264.5(PLK4):c.11G>C (p.Cys4Ser)

Genes: PLK4 (polo like kinase 4; plus strand), LOC129993054 (ATAC-STARR-seq lymphoblastoid active region 21887; plus strand). Cytogenetic location: 4q28.1.
Variant type: single nucleotide variant.
Coding change: c.11G>C on transcript NM_014264.5 (MANE Select); coding-DNA position 11, G replaced by C.
Protein change: p.Cys4Ser; replaces cysteine 4 with serine.
Molecular consequence: missense variant.
Genome position (GRCh38, 1-based): chr4:127,881,145, G>C. VCF-style: chr4-127881145-G-C. GRCh37 (hg19) VCF-style: chr4-128802300-G-C.
Other names: c.11G>C, p.Cys4Ser (NM_001190799.2); short protein forms C4S.
Identifiers: ClinVar variation 1375316 (VCV001375316.8), dbSNP rs2148814544, ClinGen allele CA358166803.
Genomic context (GRCh38, chr4:127,881,145, plus strand): 5'-GACTGCGTGAAGGAAGCTAATCCGGAGAACCCAGGCCAGAGCCTGGAAATATGGCGACCT[G>C]CATCGGGGAGAAGATCGAGGTGAAAAGACTCGGCAGTCTGCAGCGGGGCGGGTGGGAGTA-3'
Protein context (NP_055079.3, residues 1-14): MAT[Cys4Ser]IGEKIEDFKV

ClinVar aggregate classification (germline): Uncertain significance (1 of 4 stars; one submission).

Submission:

Labcorp Genetics (formerly Invitae), Labcorp
Classification: Uncertain significance. Last evaluated: 2025-04-14. Review status: criteria provided, single submitter. Criteria: Invitae Variant Classification Sherloc (09022015). Collection method: clinical testing. Allele origin: germline.
Comment: This sequence change replaces cysteine, which is neutral and slightly polar, with serine, which is neutral and polar, at codon 4 of the PLK4 protein (p.Cys4Ser). This variant is not present in population databases (gnomAD no frequency). This variant has not been reported in the literature in individuals affected with PLK4-related conditions. ClinVar contains an entry for this variant (Variation ID: 1375316). An algorithm developed to predict the effect of missense changes on protein structure and function (PolyPhen-2) suggests that this variant is likely to be tolerated. In summary, the available evidence is currently insufficient to determine the role of this variant in disease. Therefore, it has been classified as a Variant of Uncertain Significance.